The following is an entry in ClinVar:

ClinVar aggregate classification (germline): Uncertain significance. Review status: criteria provided, multiple submitters, no conflicts (2 of 4 stars). 3 submissions from 3 submitters: Uncertain significance (3). Last evaluated 2025-09-28.

Conditions:
Hereditary spastic paraplegia 6 (SPG6). Also called: SPASTIC PARAPLEGIA 6, AUTOSOMAL DOMINANT. Identifiers: Orphanet 100988, MedGen C1838192, MONDO:0010878, OMIM 600363.
Inborn genetic diseases. Identifiers: MedGen C0950123, MeSH D030342.

Allele frequency attached by ClinVar (database versions not stated): gnomAD 0.00001; TOPMed 0.00002.
gnomAD v4.1: 28 of 1,606,826 alleles (0.0017%); highest among the groups gnomAD compares: Non-Finnish European, 0.0017%; no homozygotes.

Submissions (3):

Ambry Genetics
Classification: Uncertain significance for Inborn genetic diseases. Last evaluated: 2025-09-28. Review status: criteria provided, single submitter. Criteria: Ambry Variant Classification Scheme 2023. Collection method: clinical testing. Allele origin: germline.

Labcorp Genetics (formerly Invitae), Labcorp
Classification: Uncertain significance for Hereditary spastic paraplegia 6. Last evaluated: 2022-06-24. Review status: criteria provided, single submitter. Criteria: Invitae Variant Classification Sherloc (09022015). Collection method: clinical testing. Allele origin: germline.
Comment: This sequence change replaces isoleucine, which is neutral and non-polar, with methionine, which is neutral and non-polar, at codon 74 of the NIPA1 protein (p.Ile74Met). This variant is present in population databases (rs778472114, gnomAD 0.04%). This variant has not been reported in the literature in individuals affected with NIPA1-related conditions. This missense change has been observed in at least one individual who was not affected with NIPA1-related conditions (Invitae). ClinVar contains an entry for this variant (Variation ID: 887000). Algorithms developed to predict the effect of missense changes on protein structure and function are either unavailable or do not agree on the potential impact of this missense change (SIFT: "Deleterious"; PolyPhen-2: "Possibly Damaging"; Align-GVGD: "Class C0"). In summary, the available evidence is currently insufficient to determine the role of this variant in disease. Therefore, it has been classified as a Variant of Uncertain Significance.

Illumina Laboratory Services, Illumina
Classification: Uncertain significance for Hereditary spastic paraplegia 6. Last evaluated: 2018-01-12. Review status: criteria provided, single submitter. Criteria: ICSL Variant Classification Criteria 13 December 2019. Collection method: clinical testing. Allele origin: germline.

NM_144599.5(NIPA1):c.222C>G (p.Ile74Met)

Gene: NIPA1 (NIPA magnesium transporter 1; plus strand). Cytogenetic location: 15q11.2.
Variant type: single nucleotide variant.
Coding change: c.222C>G on transcript NM_144599.5 (MANE Select); coding-DNA position 222, C replaced by G.
Protein change: p.Ile74Met; replaces isoleucine 74 with methionine.
Molecular consequence: missense variant. On other transcripts: 5 prime UTR variant (1).
Genome position (GRCh38, 1-based): chr15:22,810,792, C>G. VCF-style: chr15-22810792-C-G. GRCh37 (hg19) VCF-style: chr15-23062276-G-C.
Other names: c.-4C>G (NM_001142275.1); short protein forms I74M.
Identifiers: ClinVar variation 887000 (VCV000887000.9), dbSNP rs778472114, ClinGen allele CA7426177.